The following is an entry in ClinVar:

NM_181426.2(CCDC39):c.2250del (p.Gln751fs)

Gene: CCDC39 (coiled-coil domain 39 molecular ruler complex subunit; minus strand). Cytogenetic location: 3q26.33.
Variant type: Deletion.
Coding change: c.2250del on transcript NM_181426.2 (MANE Select); coding-DNA position 2250, one base deleted (T; older notation c.2250delT).
Protein change: p.Gln751fs; shifts the reading frame from glutamine 751.
Molecular consequence: frameshift variant.
Genome position (GRCh38, 1-based): chr3:180,619,274, A deleted on the plus strand (T on the coding strand, the reverse complement: CCDC39 is on the minus strand); the first of 2 consecutive A bases (chr3:180,619,274-180,619,275); deleting either gives the same sequence. VCF-style (leftmost placement, unchanged base first): chr3-180619273-GA-G. GRCh37 (hg19) VCF-style: chr3-180337061-GA-G.
Other names: short protein forms Q751fs.
Identifiers: ClinVar variation 2780033 (VCV002780033.3), dbSNP rs2473781768, ClinGen allele CA2577966840.
Genomic context (GRCh38, chr3:180,619,273, plus strand): 5'-TGACTTTTATTGAAGGCATATTACTAAAAATGCCTGTAGAATTTACCTGGATGTCTTCTT[GA>G]AGTTCTCTGATTTGTCTTTGTTTGTATCTGTATTTTTCATCAACAGCTCTTTTTTGTTCT-3'

ClinVar aggregate classification (germline): Pathogenic (1 of 4 stars; one submission).

Conditions:
Primary ciliary dyskinesia. Also called: Ciliary dyskinesia. Identifiers: Orphanet 244, MedGen C0008780, MONDO:0016575, HP:0012265.

Submission:

Labcorp Genetics (formerly Invitae), Labcorp
Classification: Pathogenic for Primary ciliary dyskinesia. Last evaluated: 2023-05-02. Review status: criteria provided, single submitter. Criteria: Invitae Variant Classification Sherloc (09022015). Collection method: clinical testing. Allele origin: germline.
Comment: For these reasons, this variant has been classified as Pathogenic. This premature translational stop signal has been observed in individual(s) with clinical features of primary ciliary dyskinesia (PMID: 32253119). This variant is not present in population databases (gnomAD no frequency). This sequence change creates a premature translational stop signal (p.Gln751Lysfs*11) in the CCDC39 gene. It is expected to result in an absent or disrupted protein product. Loss-of-function variants in CCDC39 are known to be pathogenic (PMID: 21131972, 23255504).

Literature cited by the submitters: PubMed 32253119; PubMed 21131972; PubMed 23255504.